The following is an entry in ClinVar:

NM_182943.3(PLOD2):c.1179A>C (p.Ala393=)

Gene: PLOD2 (procollagen-lysine,2-oxoglutarate 5-dioxygenase 2; minus strand). Cytogenetic location: 3q24.
Variant type: single nucleotide variant.
Coding change: c.1179A>C on transcript NM_182943.3 (MANE Select); coding-DNA position 1179, A replaced by C.
Protein change: p.Ala393=; no amino-acid change (alanine 393 retained).
Molecular consequence: synonymous variant.
Genome position (GRCh38, 1-based): chr3:146,085,222, T>G on the plus strand (A>C on the coding strand, the complement: PLOD2 is on the minus strand). VCF-style: chr3-146085222-T-G. GRCh37 (hg19) VCF-style: chr3-145803009-T-G.
Other names: c.1179A>C, p.Ala393= (NM_000935.3).
Identifiers: ClinVar variation 2672963 (VCV002672963.23), dbSNP rs2473252191, ClinGen allele CA436185282.

ClinVar aggregate classification (germline): Likely benign (1 of 4 stars; one submission).

Submission:

CeGaT Center for Human Genetics Tuebingen
Classification: Likely benign. Last evaluated: 2023-11-01. Review status: criteria provided, single submitter. Criteria: CeGaT Center For Human Genetics Tuebingen Variant Classification Criteria Version 2. Collection method: clinical testing. Allele origin: germline. Affected: yes. Observed: 1 variant allele.
Comment: PLOD2: PM2:Supporting, BP4, BP7